The following is an entry in ClinVar:

NM_024675.4(PALB2):c.1643C>T (p.Ser548Leu)

Gene: PALB2 (partner and localizer of BRCA2; minus strand). Cytogenetic location: 16p12.2.
Variant type: single nucleotide variant.
Coding change: c.1643C>T on transcript NM_024675.4 (MANE Select); coding-DNA position 1643, C replaced by T.
Protein change: p.Ser548Leu; replaces serine 548 with leucine.
Molecular consequence: missense variant.
Genome position (GRCh38, 1-based): chr16:23,634,903, G>A on the plus strand (C>T on the coding strand, the complement: PALB2 is on the minus strand). VCF-style: chr16-23634903-G-A. GRCh37 (hg19) VCF-style: chr16-23646224-G-A.
Other names: short protein forms S548L.
Identifiers: ClinVar variation 460904 (VCV000460904.15), dbSNP rs1241049372, ClinGen allele CA395130164.
Genomic context (GRCh38, chr16:23,634,903, plus strand): 5'-CAAACACATCTTGATTTACCTTTCACTTGAATAAATAATTTTTCGTGCTGATATTTGTGT[G>A]AGGTGACTTCTTCCTTGGACCTGTTAACAATCGACAGGCTAGAAGTTGGCAAAAGTGGTT-3'
Protein context (NP_078951.2, residues 538-558): IVNRSKEEVT[Ser548Leu]HKYQHEKLFI

ClinVar aggregate classification (germline): Conflicting classifications of pathogenicity. Review status: criteria provided, conflicting classifications (1 of 4 stars). 3 submissions from 3 submitters: Uncertain significance (2); Likely benign (1). Last evaluated 2022-08-05.

Conditions:
Hereditary cancer-predisposing syndrome. Also called: Neoplastic Syndromes, Hereditary; Hereditary Cancer Syndrome; Hereditary neoplastic syndrome; Tumor predisposition. Identifiers: Orphanet 140162, MedGen C0027672, MeSH D009386, MONDO:0015356.
Familial cancer of breast. Also called: BREAST CANCER, FAMILIAL; Hereditary breast cancer; hereditary breast carcinoma. Identifiers: Orphanet 227535, MedGen C0346153, MONDO:0016419, OMIM 114480. Disease mechanism: loss of function.

Allele frequency attached by ClinVar (database versions not stated): gnomAD exomes below 0.00001.
gnomAD v4.1: 3 of 1,614,136 alleles (0.00019%); highest among the groups gnomAD compares: African/African-American, 0.0013%; no homozygotes.

Submissions (3):

Labcorp Genetics (formerly Invitae), Labcorp
Classification: Uncertain significance for Familial cancer of breast. Last evaluated: 2022-08-05. Review status: criteria provided, single submitter. Criteria: Invitae Variant Classification Sherloc (09022015). Collection method: clinical testing. Allele origin: germline.
Comment: This sequence change replaces serine, which is neutral and polar, with leucine, which is neutral and non-polar, at codon 548 of the PALB2 protein (p.Ser548Leu). This variant is present in population databases (no rsID available, gnomAD no frequency). In summary, the available evidence is currently insufficient to determine the role of this variant in disease. Therefore, it has been classified as a Variant of Uncertain Significance. Algorithms developed to predict the effect of missense changes on protein structure and function output the following: SIFT: "Tolerated"; PolyPhen-2: "Benign"; Align-GVGD: "Class C0". The leucine amino acid residue is found in multiple mammalian species, which suggests that this missense change does not adversely affect protein function. ClinVar contains an entry for this variant (Variation ID: 460904). This variant has not been reported in the literature in individuals affected with PALB2-related conditions.

GeneDx
Classification: Uncertain significance. Last evaluated: 2021-12-27. Review status: criteria provided, single submitter. Criteria: GeneDx Variant Classification Process June 2021. Collection method: clinical testing. Allele origin: germline. Affected: yes.
Comment: Not observed at significant frequency in large population cohorts (gnomAD); In silico analysis supports that this missense variant does not alter protein structure/function; Has not been previously published as pathogenic or benign to our knowledge

Ambry Genetics
Classification: Likely benign for Hereditary cancer-predisposing syndrome. Last evaluated: 2016-08-04. Review status: criteria provided, single submitter. Criteria: Ambry Variant Classification Scheme 2023. Collection method: clinical testing. Allele origin: germline.